The following is an entry in ClinVar:

ClinVar aggregate classification (germline): Conflicting classifications of pathogenicity. Review status: criteria provided, conflicting classifications (1 of 4 stars). 5 submissions from 5 submitters: Uncertain significance (1); Benign (4). Last evaluated 2026-07-01.

Conditions:
Inborn genetic diseases. Identifiers: MedGen C0950123, MeSH D030342.
Familial intrahepatic cholestasis. Identifiers: Orphanet 284385, MedGen CN296401, MONDO:0017290.
Progressive familial intrahepatic cholestasis type 1. Also called: BYLER DISEASE; Severe ATP8B1 Deficiency (Progressive Familial Intrahepatic Cholestasis Type 1 [PFIC1]); Byler's disease. Identifiers: Orphanet 79306, MedGen C4551898, MONDO:0008892, OMIM 211600.

Allele frequency attached by ClinVar (database versions not stated): TOPMed 0.00006; gnomAD 0.00010; gnomAD exomes 0.00133; ExAC 0.00147; 1000 Genomes Project 30x 0.00187; 1000 Genomes Project 0.00200.
gnomAD v4.1: 1,017 of 1,613,862 alleles (0.063%); highest among the groups gnomAD compares: South Asian, 1%; 17 homozygotes.

Submissions (5):

CeGaT Center for Human Genetics Tuebingen
Classification: Benign. Last evaluated: 2026-07-01. Review status: criteria provided, single submitter. Criteria: CeGaT Center For Human Genetics Tuebingen Variant Classification Criteria Version 2. Collection method: clinical testing. Allele origin: germline. Affected: yes. Observed: 1 variant allele.
Comment: ATP8B1: PP2, BP4, BS1, BS2

Genomenon, Inc
Classification: Benign for Familial intrahepatic cholestasis. Last evaluated: 2026-04-14. Review status: criteria provided, single submitter. Criteria: Genomenon Sequence Variant Interpretation Standards - Updated. Collection method: curation. Allele origin: germline. Affected: no.
Comment: ATP8B1 p.Arg833Gln (c.2498G>A) is a missense variant that changes the amino acid at residue 833 from Arginine to Glutamine. In silico models predict that this variant is not damaging. This variant is present at high allele frequency in population databases. In conclusion, we classify ATP8B1 p.Arg833Gln (c.2498G>A) as a benign variant.

Labcorp Genetics (formerly Invitae), Labcorp
Classification: Benign. Last evaluated: 2026-02-01. Review status: criteria provided, single submitter. Criteria: Invitae Variant Classification Sherloc (09022015). Collection method: clinical testing. Allele origin: germline.

Ambry Genetics
Classification: Uncertain significance for Inborn genetic diseases. Last evaluated: 2023-04-04. Review status: criteria provided, single submitter. Criteria: Ambry Variant Classification Scheme 2023. Collection method: clinical testing. Allele origin: germline.

Illumina Laboratory Services, Illumina
Classification: Benign for Progressive familial intrahepatic cholestasis type 1. Last evaluated: 2018-01-12. Review status: criteria provided, single submitter. Criteria: ICSL Variant Classification Criteria 13 December 2019. Collection method: clinical testing. Allele origin: germline.
Comment: This variant was observed in the ICSL laboratory as part of a predisposition screen in an ostensibly healthy population. It had not been previously curated by ICSL or reported in the Human Gene Mutation Database (HGMD: prior to June 1st, 2018), and was therefore a candidate for classification through an automated scoring system. Utilizing variant allele frequency, disease prevalence and penetrance estimates, and inheritance mode, an automated score was calculated to assess if this variant is too frequent to cause the disease. Based on the score and internal cut-off values, a variant classified as benign is not then subjected to further curation. The score for this variant resulted in a classification of benign for this disease.

NM_001374385.1(ATP8B1):c.2498G>A (p.Arg833Gln)

Genes: ATP8B1 (ATPase phospholipid transporting 8B1; minus strand), ATP8B1-AS1 (ATP8B1 antisense RNA 1; plus strand). Cytogenetic location: 18q21.31.
Variant type: single nucleotide variant.
Coding change: c.2498G>A on transcript NM_001374385.1 (MANE Select); coding-DNA position 2498, G replaced by A.
Protein change: p.Arg833Gln; replaces arginine 833 with glutamine.
Molecular consequence: missense variant.
Genome position (GRCh38, 1-based): chr18:57,661,383, C>T on the plus strand (G>A on the coding strand, the complement: ATP8B1 is on the minus strand). VCF-style: chr18-57661383-C-T. GRCh37 (hg19) VCF-style: chr18-55328615-C-T.
Other names: c.2348G>A, p.Arg783Gln (NM_001374386.1); c.2498G>A, p.Arg833Gln (NM_005603.6); short protein forms R833Q, R783Q.
Identifiers: ClinVar variation 327476 (VCV000327476.12), dbSNP rs568134011, ClinGen allele CA8974236.
Genomic context (GRCh38, chr18:57,661,383, plus strand): 5'-AAGTTTTTCTGCCGCTGCTCTTTCTTAGCTTCTAGCCTCCTTTTACTTTGGGTCCGCATC[C>T]GTCTTTCTTCTTCTGTTCTTGGGAACTTCAGCTTCAGAATCTTATTTCTCTTGGTCTTTT-3'
Protein context (NP_001361314.1, residues 823-843): LKFPRTEEER[Arg833Gln]MRTQSKRRLE